The following is an entry in ClinVar:

NM_000081.4(LYST):c.6710A>C (p.Gln2237Pro)

Gene: LYST (lysosomal trafficking regulator; minus strand). Cytogenetic location: 1q42.3.
Variant type: single nucleotide variant.
Coding change: c.6710A>C on transcript NM_000081.4 (MANE Select); coding-DNA position 6710, A replaced by C.
Protein change: p.Gln2237Pro; replaces glutamine 2237 with proline.
Molecular consequence: missense variant.
Genome position (GRCh38, 1-based): chr1:235,759,143, T>G on the plus strand (A>C on the coding strand, the complement: LYST is on the minus strand). VCF-style: chr1-235759143-T-G. GRCh37 (hg19) VCF-style: chr1-235922443-T-G.
Other names: p.Gln2237Pro; c.6710A>C, p.Gln2237Pro (NM_001301365.1); short protein forms Q2237P.
Identifiers: ClinVar variation 211411 (VCV000211411.62), dbSNP rs138443479, ClinGen allele CA205722.

ClinVar aggregate classification (germline): Conflicting classifications of pathogenicity. Review status: criteria provided, conflicting classifications (1 of 4 stars). 13 submissions from 13 submitters: Uncertain significance (2); Benign (2); Likely benign (6). 3 of the submissions do not count toward it. Last evaluated 2026-02-01.

Conditions:
Autoinflammatory syndrome. Identifiers: Orphanet 93665, MedGen C3890737, MONDO:0019751.
LYST-related disorder. Also called: LYST-related condition.
Inborn genetic diseases. Identifiers: MedGen C0950123, MeSH D030342.
Meniere disease. Also called: Ménière's disease. Identifiers: MedGen C0025281, MONDO:0007972, OMIM 156000.
Chédiak-Higashi syndrome (CHS). Also called: Chediak-Higashi Syndrome. Identifiers: Orphanet 167, MedGen C0007965, MONDO:0008963, OMIM 214500.

Allele frequency attached by ClinVar (database versions not stated): TOPMed 0.00098; ESP Exome Variant Server 0.00100; gnomAD 0.00139 and 0.00148; ExAC 0.00157.
gnomAD v4.1: 2,136 of 1,614,070 alleles (0.13%); highest among the groups gnomAD compares: Non-Finnish European, 0.15%; 6 homozygotes.

Submissions (13):

Labcorp Genetics (formerly Invitae), Labcorp
Classification: Likely benign for Chédiak-Higashi syndrome. Last evaluated: 2026-02-01. Review status: criteria provided, single submitter. Criteria: Invitae Variant Classification Sherloc (09022015). Collection method: clinical testing. Allele origin: germline.

Mayo Clinic Laboratories, Mayo Clinic
Classification: Benign. Last evaluated: 2025-06-05. Review status: criteria provided, single submitter. Criteria: ACMG Guidelines, 2015. Collection method: clinical testing. Allele origin: germline. Observed: 7 variant alleles.
Comment: BS1, BS2

Laboratory of Genetics, Children's Clinical University Hospital Latvia
Classification: Benign. Last evaluated: 2025-02-16. Review status: criteria provided, single submitter. Criteria: ACMG Guidelines, 2015. Collection method: clinical testing. Allele origin: germline. Affected: yes.

CeGaT Center for Human Genetics Tuebingen
Classification: Likely benign. Last evaluated: 2025-01-01. Review status: criteria provided, single submitter. Criteria: CeGaT Center For Human Genetics Tuebingen Variant Classification Criteria Version 2. Collection method: clinical testing. Allele origin: germline. Affected: yes. Observed: 5 variant alleles.
Comment: LYST: BP4, BS2

Blueprint Genetics
Classification: Likely benign. Last evaluated: 2024-11-25. Review status: criteria provided, single submitter. Criteria: ACMG Guidelines, 2015. Collection method: clinical testing. Allele origin: germline.

Women's Health and Genetics/Laboratory Corporation of America, LabCorp
Classification: Likely benign. Last evaluated: 2023-08-21. Review status: criteria provided, single submitter. Criteria: LabCorp Variant Classification Summary - May 2015. Collection method: clinical testing. Allele origin: germline.
Comment: Variant summary: LYST c.6710A>C (p.Gln2237Pro) results in a non-conservative amino acid change in the encoded protein sequence. Four of five in-silico tools predict a damaging effect of the variant on protein function. The variant allele was found at a frequency of 0.0015 in 282064 control chromosomes (gnomAD), predominantly at a frequency of 0.0022 within the Non-Finnish European subpopulation in the gnomAD database, including 2 homozygotes. The observed variant frequency within Non-Finnish European control individuals in the gnomAD database is approximately 2 fold of the estimated maximal expected allele frequency for a pathogenic variant in LYST causing Chediak-Higashi Syndrome (0.0011), strongly suggesting that the variant is a benign polymorphism found primarily in populations of Non-Finnish European origin. c.6710A>C has been reported in the literature in an individual with suspected Inherited Bleeding Disorders without evidence for causality (Leinoe_2017). To our knowledge, no experimental evidence demonstrating an impact on protein function has been reported. The following publication has been ascertained in the context of this evaluation (PMID: 28748566). Six ClinVar submitters have assessed the variant since 2014: three classified the variant as uncertain significance and three as likely benign. Based on the evidence outlined above, the variant was classified as likely benign.

Ambry Genetics
Classification: Likely benign for Inborn genetic diseases. Last evaluated: 2022-03-07. Review status: criteria provided, single submitter. Criteria: Ambry Variant Classification Scheme 2023. Collection method: clinical testing. Allele origin: germline.

Center for Genomics, Ann and Robert H. Lurie Children's Hospital of Chicago
Classification: Uncertain significance for Chédiak-Higashi syndrome. Last evaluated: 2021-12-08. Review status: criteria provided, single submitter. Criteria: ACMG Guidelines, 2015. Collection method: clinical testing. Allele origin: germline.
Comment: LYST NM_000081.3 exon23 p.Gln2237Pro (c.6710A>C): This variant has not been reported in the literature but is present in 0.2% (285/128512) of European alleles, including 2 homozygotes, in the Genome Aggregation Database. This variant is present in ClinVar (Variation ID:211411). Evolutionary conservation and computational predictive tools suggest that this variant may impact the protein. In summary, data on this variant is insufficient for disease classification. Therefore, the clinical significance of this variant is uncertain.

Genome Diagnostics Laboratory, The Hospital for Sick Children
Classification: Likely benign for Autoinflammatory syndrome. Last evaluated: 2018-09-01. Review status: criteria provided, single submitter. Criteria: ACMG Guidelines, 2015. Collection method: clinical testing. Allele origin: germline. Affected: yes.

Genetic Services Laboratory, University of Chicago
Classification: Uncertain significance. Last evaluated: 2015-06-16. Review status: criteria provided, single submitter. Criteria: ACMG Guidelines, 2015. Collection method: clinical testing. Allele origin: germline.

Center for Computational Biology & Bioinformatics, University of California, San Diego
Classification: Uncertain significance for Meniere disease. Last evaluated: 2024-06-03. Review status: no assertion criteria provided. Collection method: research. Allele origin: germline. Affected: yes. Not counted in ClinVar's aggregate classification.

PreventionGenetics, part of Exact Sciences
Classification: Likely benign for LYST-related condition. Last evaluated: 2022-06-24. Review status: no assertion criteria provided. Collection method: clinical testing. Allele origin: germline. Not counted in ClinVar's aggregate classification.
Comment: This variant is classified as likely benign based on ACMG/AMP sequence variant interpretation guidelines (Richards et al. 2015 PMID: 25741868, with internal and published modifications).

Department of Pathology and Laboratory Medicine, Sinai Health System
Classification: Likely benign. Review status: no assertion criteria provided. Collection method: clinical testing. Allele origin: unknown. Affected: yes. Study: The Canadian Open Genetics Repository (COGR). Not counted in ClinVar's aggregate classification.
Comment: The LYST p.Gln2237Pro variant was not identified in the literature nor was it identified in Cosmic. The variant was found in dbSNP (ID: rs138443479), LOVD 3.0 and in ClinVar (classified as Likely Benign by Invitae and as a VUS by Genetics Services Laboratory (University of Chicago) and Illumina for ChâˆšÂ©diak-Higashi syndrome). The variant was identified in control databases in 430 of 282064 chromosomes (2 homozygous) at a frequency of 0.001524 increasing the likelihood this could be a low frequency benign variant (Genome Aggregation Database Feb 27, 2017). The variant was observed in the following populations: Ashkenazi Jewish in 49 of 10346 chromosomes (freq: 0.004736), European (Finnish) in 71 of 25108 chromosomes (freq: 0.002828), European (non-Finnish) in 285 of 128512 chromosomes (freq: 0.002218), Other in 11 of 7202 chromosomes (freq: 0.001527), Latino in 10 of 35378 chromosomes (freq: 0.000283) and African in 4 of 24966 chromosomes (freq: 0.00016), while the variant was not observed in the East Asian and South Asian populations. The variant occurs outside of the splicing consensus sequence and 2 of 4 in silico or computational prediction software programs (SpliceSiteFinder, MaxEntScan, NNSPLICE, GeneSplicer); SpliceSiteFinder-like and MaxEntScan, predict the shift of a 3' splice site from c.6711 to c.6716. However, this information is not very predictive of pathogenicity. The p.Gln2237 residue is conserved in mammals but not in more distantly related organisms, and four out of five computational analyses (PolyPhen-2, SIFT, AlignGVGD, BLOSUM, MutationTaster) suggest that the variant may impact the protein; however, this information is also not predictive enough to assume pathogenicity. In summary, based on the above information the clinical significance of this variant cannot be determined with certainty at this time although we would suggest a more benign role for this variant. This variant is classified as likely benign.

Literature cited by the submitters: PubMed 28748566 (cited by Women's Health and Genetics/Laboratory Corporation of America, LabCorp).